The following is an entry in ClinVar:

NC_000022.11:g.40346350C>T

Gene: ADSL (adenylosuccinate lyase; plus strand). Cytogenetic location: 22q13.1.
Variant type: single nucleotide variant.
Genome position: GRCh38 VCF-style: chr22-40346350-C-T. GRCh37 (hg19) VCF-style: chr22-40742354-C-T.
Identifiers: ClinVar variation 2180769 (VCV002180769.2), dbSNP rs1049220012, ClinGen allele CA324446804.

ClinVar aggregate classification (germline): Uncertain significance (1 of 4 stars; one submission).

Conditions:
Adenylosuccinate lyase deficiency (ADSLD). Also called: ADSL DEFICIENCY. Identifiers: Orphanet 46, MedGen C0268126, MONDO:0007068, OMIM 103050.

Allele frequency attached by ClinVar (database versions not stated): gnomAD exomes 0.00001; TOPMed 0.00003.

Submission:

Labcorp Genetics (formerly Invitae), Labcorp
Classification: Uncertain significance for Adenylosuccinate lyase deficiency. Last evaluated: 2022-08-16. Review status: criteria provided, single submitter. Criteria: Invitae Variant Classification Sherloc (09022015). Collection method: clinical testing. Allele origin: germline.
Comment: This variant occurs in a non-coding region of the ADSL gene. It does not change the encoded amino acid sequence of the ADSL protein. This variant is not present in population databases (gnomAD no frequency). This variant has not been reported in the literature in individuals affected with ADSL-related conditions. Experimental studies and prediction algorithms are not available or were not evaluated, and the functional significance of this variant is currently unknown. In summary, the available evidence is currently insufficient to determine the role of this variant in disease. Therefore, it has been classified as a Variant of Uncertain Significance.